The following is an entry in ClinVar:

ClinVar aggregate classification (germline): Pathogenic (1 of 4 stars; one submission).

Conditions:
Alpha-1-antitrypsin deficiency (A1ATD). Also called: AAT deficiency; A1AT deficiency; Alpha1-Antitrypsin Deficiency. Identifiers: Orphanet 60, MedGen C0221757, MONDO:0013282, OMIM 613490.

gnomAD v4.1: 1 of 152,302 alleles (0.00066%); highest among the groups gnomAD compares: African/African-American, 0.0024%; no homozygotes.

Submission:

Labcorp Genetics (formerly Invitae), Labcorp
Classification: Pathogenic for Alpha-1-antitrypsin deficiency. Last evaluated: 2025-08-24. Review status: criteria provided, single submitter. Criteria: Invitae Variant Classification Sherloc (09022015). Collection method: clinical testing. Allele origin: germline.
Comment: This sequence change falls in intron 1 of the SERPINA1 gene. It does not directly change the encoded amino acid sequence of the SERPINA1 protein. It affects a nucleotide within the consensus splice site. This variant is not present in population databases (gnomAD no frequency). Disruption of this splice site has been observed in individual(s) with alpha-1-antitrypsin deficiency (PMID: 12220457, 31307431; internal data). In at least one individual the data is consistent with being in trans (on the opposite chromosome) from a pathogenic variant. Variants that disrupt the consensus splice site are a relatively common cause of aberrant splicing (PMID: 17576681, 9536098). Algorithms developed to predict the effect of sequence changes on RNA splicing suggest that this variant may disrupt the consensus splice site. For these reasons, this variant has been classified as Pathogenic.

Literature cited by the submitters: PubMed 12220457; PubMed 31307431; PubMed 17576681; PubMed 9536098.

NM_000295.5(SERPINA1):c.-5+1G>C

Gene: SERPINA1 (serpin family A member 1; minus strand). Cytogenetic location: 14q32.13.
Variant type: single nucleotide variant.
Coding change: c.-5+1G>C on transcript NM_000295.5 (MANE Select); the canonical splice donor site of the intron after 5 bases upstream of the start codon, G replaced by C.
Molecular consequence: splice donor variant. On other transcripts: intron variant (2).
Genome position (GRCh38, 1-based): chr14:94,388,559, C>G on the plus strand (G>C on the coding strand, the complement: SERPINA1 is on the minus strand). VCF-style: chr14-94388559-C-G. GRCh37 (hg19) VCF-style: chr14-94854896-C-G.
Other names: c.-5+1898G>C (NM_001002235.3); c.-5+1G>C (NM_001127707.2, NM_001127706.2, NM_001127704.2 and 5 more transcripts); c.-5+1861G>C (NM_001127700.2).
Identifiers: ClinVar variation 4752007 (VCV004752007.1).